The following is an entry in ClinVar:

ClinVar aggregate classification (germline): Uncertain significance (1 of 4 stars; one submission).

Conditions:
Leber congenital amaurosis 2 (LCA2). Also called: Autosomal Recessive RPE65-Related Retinal Degeneration; AMAUROSIS CONGENITA OF LEBER II. Identifiers: Orphanet 65, MedGen C1859844, MONDO:0008765, OMIM 204100. Disease mechanism: loss of function.
Retinitis pigmentosa 20 (RP20). Identifiers: Orphanet 791, MedGen C3151086, MONDO:0013425, OMIM 613794.

Submission:

Labcorp Genetics (formerly Invitae), Labcorp
Classification: Uncertain significance for Leber congenital amaurosis 2; Retinitis pigmentosa 20. Last evaluated: 2021-06-22. Review status: criteria provided, single submitter. Criteria: Invitae Variant Classification Sherloc (09022015). Collection method: clinical testing. Allele origin: germline.
Comment: In summary, the available evidence is currently insufficient to determine the role of this variant in disease. Therefore, it has been classified as a Variant of Uncertain Significance. Algorithms developed to predict the effect of missense changes on protein structure and function (SIFT, PolyPhen-2, Align-GVGD) all suggest that this variant is likely to be tolerated. This variant has not been reported in the literature in individuals affected with RPE65-related conditions. This variant is not present in population databases (ExAC no frequency). This sequence change replaces phenylalanine with leucine at codon 57 of the RPE65 protein (p.Phe57Leu). The phenylalanine residue is highly conserved and there is a small physicochemical difference between phenylalanine and leucine.

NM_000329.3(RPE65):c.171T>G (p.Phe57Leu)

Gene: RPE65 (retinoid isomerohydrolase RPE65; minus strand). Cytogenetic location: 1p31.3.
Variant type: single nucleotide variant.
Coding change: c.171T>G on transcript NM_000329.3 (MANE Select); coding-DNA position 171, T replaced by G.
Protein change: p.Phe57Leu; replaces phenylalanine 57 with leucine.
Molecular consequence: missense variant.
Genome position (GRCh38, 1-based): chr1:68,446,784, A>C on the plus strand (T>G on the coding strand, the complement: RPE65 is on the minus strand). VCF-style: chr1-68446784-A-C. GRCh37 (hg19) VCF-style: chr1-68912467-A-C.
Other names: short protein forms F57L.
Identifiers: ClinVar variation 1467397 (VCV001467397.8), dbSNP rs2100831318, ClinGen allele CA340749084.
Genomic context (GRCh38, chr1:68,446,784, plus strand): 5'-GACATGTCCTTCTTTAAAGTCAAACTTGTGCAGGAGGGCTTGCCCATCAAACAGGTGGTA[A>C]AATGGCTCAGATCCAACTTCAAAGAGTCCTGGCCCACATCGAAGGAGACTGCCGGTGAGC-3'
Protein context (NP_000320.1, residues 47-67): PGLFEVGSEP[Phe57Leu]YHLFDGQALL